The following is an entry in ClinVar:

NM_004946.3(DOCK2):c.4342G>A (p.Val1448Met)

Gene: DOCK2 (dedicator of cytokinesis 2; plus strand). Cytogenetic location: 5q35.1.
Variant type: single nucleotide variant.
Coding change: c.4342G>A on transcript NM_004946.3 (MANE Select); coding-DNA position 4342, G replaced by A.
Protein change: p.Val1448Met; replaces valine 1448 with methionine.
Molecular consequence: missense variant. On other transcripts: non-coding transcript variant (1).
Genome position (GRCh38, 1-based): chr5:170,056,730, G>A. VCF-style: chr5-170056730-G-A. GRCh37 (hg19) VCF-style: chr5-169483734-G-A.
Other names: short protein forms V1448M.
Identifiers: ClinVar variation 1497985 (VCV001497985.5), dbSNP rs200408270, ClinGen allele CA3554514.

ClinVar aggregate classification (germline): Uncertain significance (1 of 4 stars; one submission).

Conditions:
DOCK2 deficiency. Also called: Immunodeficiency 40. Identifiers: Orphanet 447737, MedGen C4225328, MONDO:0014637, OMIM 616433.

Allele frequency attached by ClinVar (database versions not stated): ExAC 0.00002; gnomAD 0.00002 and 0.00003; gnomAD exomes 0.00002 and 0.00003; TOPMed 0.00005; 1000 Genomes Project 30x 0.00016; 1000 Genomes Project 0.00020.
gnomAD v4.1: 42 of 1,613,990 alleles (0.0026%); highest among the groups gnomAD compares: Admixed American, 0.0033%; no homozygotes.

Submission:

Labcorp Genetics (formerly Invitae), Labcorp
Classification: Uncertain significance for DOCK2 deficiency. Last evaluated: 2021-09-24. Review status: criteria provided, single submitter. Criteria: Invitae Variant Classification Sherloc (09022015). Collection method: clinical testing. Allele origin: germline.
Comment: This sequence change replaces valine with methionine at codon 1448 of the DOCK2 protein (p.Val1448Met). The valine residue is moderately conserved and there is a small physicochemical difference between valine and methionine. This variant is present in population databases (rs200408270, ExAC 0.006%). This variant has not been reported in the literature in individuals with DOCK2-related conditions. Algorithms developed to predict the effect of missense changes on protein structure and function are either unavailable or do not agree on the potential impact of this missense change (SIFT: "Tolerated"; PolyPhen-2: "Possibly Damaging"; Align-GVGD: "Class C0"). In summary, the available evidence is currently insufficient to determine the role of this variant in disease. Therefore, it has been classified as a Variant of Uncertain Significance.